The following is an entry in ClinVar:

NM_015656.2(KIF26A):c.4538C>T (p.Pro1513Leu)

Gene: KIF26A (kinesin family member 26A; plus strand). Cytogenetic location: 14q32.33.
Variant type: single nucleotide variant.
Coding change: c.4538C>T on transcript NM_015656.2 (MANE Select); coding-DNA position 4538, C replaced by T.
Protein change: p.Pro1513Leu; replaces proline 1513 with leucine.
Molecular consequence: missense variant.
Genome position (GRCh38, 1-based): chr14:104,177,326, C>T. VCF-style: chr14-104177326-C-T. GRCh37 (hg19) VCF-style: chr14-104643663-C-T.
Other names: short protein forms P1513L.
Identifiers: ClinVar variation 4719684 (VCV004719684.1).

ClinVar aggregate classification (germline): Uncertain significance (1 of 4 stars; one submission).

gnomAD v4.1: 2 of 1,526,658 alleles (0.00013%); highest among the groups gnomAD compares: Middle Eastern, 0.017%; no homozygotes.

Submission:

Labcorp Genetics (formerly Invitae), Labcorp
Classification: Uncertain significance. Last evaluated: 2025-12-04. Review status: criteria provided, single submitter. Criteria: Invitae Variant Classification Sherloc (09022015). Collection method: clinical testing. Allele origin: germline.
Comment: This sequence change replaces proline, which is neutral and non-polar, with leucine, which is neutral and non-polar, at codon 1513 of the KIF26A protein (p.Pro1513Leu). This variant is not present in population databases (gnomAD no frequency). This variant has not been reported in the literature in individuals affected with KIF26A-related conditions. An algorithm developed to predict the effect of missense changes on protein structure and function (PolyPhen-2) suggests that this variant is likely to be tolerated. In summary, the available evidence is currently insufficient to determine the role of this variant in disease. Therefore, it has been classified as a Variant of Uncertain Significance.